The following is an entry in ClinVar:

NM_000051.4(ATM):c.7087A>G (p.Lys2363Glu)

Genes: C11orf65 (chromosome 11 open reading frame 65; minus strand), ATM (ATM serine/threonine kinase; plus strand). Cytogenetic location: 11q22.3.
Variant type: single nucleotide variant.
Coding change: c.7087A>G on transcript NM_000051.4 (MANE Select); coding-DNA position 7087, A replaced by G.
Protein change: p.Lys2363Glu; replaces lysine 2363 with glutamic acid.
Molecular consequence: missense variant. On other transcripts: intron variant (2).
Genome position (GRCh38, 1-based): chr11:108,327,756, A>G. VCF-style: chr11-108327756-A-G. GRCh37 (hg19) VCF-style: chr11-108198483-A-G.
Other names: c.7087A>G, p.Lys2363Glu (NM_001351834.2); c.641-18685T>C (NM_001330368.2); c.*38+7464T>C (NM_001351110.2); short protein forms K2363E.
Identifiers: ClinVar variation 1757062 (VCV001757062.4), dbSNP rs1352526053, ClinGen allele CA382559207.
Genomic context (GRCh38, chr11:108,327,756, plus strand): 5'-AACTGGTTAGCAGAAACGTGCTTAGAAAATCCTGCGGTCATCATGCAGACCTATCTAGAA[A>G]AGGTAAGATTTTTGGAGCAACCCTTAAGATAGTTACTTAGCATGAATATGCTTCATCTTT-3'
Protein context (NP_000042.3, residues 2353-2373): PAVIMQTYLE[Lys2363Glu]AVEVAGNYDG

ClinVar aggregate classification (germline): Uncertain significance. Review status: criteria provided, multiple submitters, no conflicts (2 of 4 stars). 2 submissions from 2 submitters: Uncertain significance (2). Last evaluated 2024-11-27.

Conditions:
Hereditary cancer-predisposing syndrome. Also called: Hereditary neoplastic syndrome; Neoplastic Syndromes, Hereditary; Tumor predisposition; Hereditary Cancer Syndrome. Identifiers: Orphanet 140162, MedGen C0027672, MeSH D009386, MONDO:0015356.
Ataxia-telangiectasia syndrome (AT). Also called: Ataxia telangiectasia (A-T); LOUIS-BAR SYNDROME; Cerebello-oculocutaneous telangiectasia; Immunodeficiency with ataxia telangiectasia; Ataxia-telangiectasia, complementation group D; AT, COMPLEMENTATION GROUP C. Identifiers: Orphanet 100, MedGen C0004135, MONDO:0008840, OMIM 208900.

Submissions (2):

Labcorp Genetics (formerly Invitae), Labcorp
Classification: Uncertain significance for Ataxia-telangiectasia syndrome. Last evaluated: 2024-11-27. Review status: criteria provided, single submitter. Criteria: Invitae Variant Classification Sherloc (09022015). Collection method: clinical testing. Allele origin: germline.
Comment: This sequence change replaces lysine, which is basic and polar, with glutamic acid, which is acidic and polar, at codon 2363 of the ATM protein (p.Lys2363Glu). This variant is not present in population databases (gnomAD no frequency). This variant has not been reported in the literature in individuals affected with ATM-related conditions. ClinVar contains an entry for this variant (Variation ID: 1757062). An algorithm developed to predict the effect of missense changes on protein structure and function (PolyPhen-2) suggests that this variant is likely to be disruptive. In summary, the available evidence is currently insufficient to determine the role of this variant in disease. Therefore, it has been classified as a Variant of Uncertain Significance.

Ambry Genetics
Classification: Uncertain significance for Hereditary cancer-predisposing syndrome. Last evaluated: 2020-03-02. Review status: criteria provided, single submitter. Criteria: Ambry Variant Classification Scheme 2023. Collection method: clinical testing. Allele origin: germline.
Comment: The p.K2363E variant (also known as c.7087A>G), located in coding exon 47 of the ATM gene, results from an A to G substitution at nucleotide position 7087. The lysine at codon 2363 is replaced by glutamic acid, an amino acid with similar properties. This amino acid position is well conserved in available vertebrate species. In addition, the in silico prediction for this alteration is inconclusive. Since supporting evidence is limited at this time, the clinical significance of this alteration remains unclear.